The following is an entry in ClinVar:

NM_201253.3(CRB1):c.2168G>T (p.Gly723Val)

Gene: CRB1 (crumbs cell polarity complex component 1; plus strand). Cytogenetic location: 1q31.3.
Variant type: single nucleotide variant.
Coding change: c.2168G>T on transcript NM_201253.3 (MANE Select); coding-DNA position 2168, G replaced by T.
Protein change: p.Gly723Val; replaces glycine 723 with valine.
Molecular consequence: missense variant. On other transcripts: non-coding transcript variant (2), intron variant (1).
Genome position (GRCh38, 1-based): chr1:197,427,493, G>T. VCF-style: chr1-197427493-G-T. GRCh37 (hg19) VCF-style: chr1-197396623-G-T.
Other names: c.1832G>T, p.Gly611Val (NM_001193640.2); c.1961G>T, p.Gly654Val (NM_001257965.2); c.2128+5537G>T (NM_001257966.2); short protein forms G611V, G654V, G723V.
Identifiers: ClinVar variation 1373588 (VCV001373588.6), dbSNP rs759961722, ClinGen allele CA344036456.

ClinVar aggregate classification (germline): Uncertain significance (1 of 4 stars; one submission).

Conditions:
Retinitis pigmentosa 12 (RP12). Also called: RP WITH OR WITHOUT PPRPE; RP WITH OR WITHOUT PRESERVED PARAARTERIOLE RETINAL PIGMENT EPITHELIUM; RETINITIS PIGMENTOSA WITH OR WITHOUT PARAARTERIOLAR PRESERVATION OF RETINAL PIGMENT EPITHELIUM. Identifiers: Orphanet 791, MedGen C1838647, MONDO:0010818, OMIM 600105.
Leber congenital amaurosis 8 (LCA8). Identifiers: Orphanet 65, MedGen C3151202, MONDO:0013453, OMIM 613835.

Submission:

Labcorp Genetics (formerly Invitae), Labcorp
Classification: Uncertain significance for Leber congenital amaurosis 8; Retinitis pigmentosa 12. Last evaluated: 2022-07-06. Review status: criteria provided, single submitter. Criteria: Invitae Variant Classification Sherloc (09022015). Collection method: clinical testing. Allele origin: germline.
Comment: This sequence change replaces glycine, which is neutral and non-polar, with valine, which is neutral and non-polar, at codon 723 of the CRB1 protein (p.Gly723Val). This variant is not present in population databases (gnomAD no frequency). This missense change has been observed in individual(s) with clinical features of retinitis pigmentosa (Invitae). ClinVar contains an entry for this variant (Variation ID: 1373588). Advanced modeling of protein sequence and biophysical properties (such as structural, functional, and spatial information, amino acid conservation, physicochemical variation, residue mobility, and thermodynamic stability) performed at Invitae indicates that this missense variant is expected to disrupt CRB1 protein function. In summary, the available evidence is currently insufficient to determine the role of this variant in disease. Therefore, it has been classified as a Variant of Uncertain Significance.